The following is an entry in ClinVar:

NM_002519.3(NPAT):c.1339G>A (p.Val447Met)

Gene: NPAT (nuclear protein, coactivator of histone transcription; minus strand). Cytogenetic location: 11q22.3.
Variant type: single nucleotide variant.
Coding change: c.1339G>A on transcript NM_002519.3 (MANE Select); coding-DNA position 1339, G replaced by A.
Protein change: p.Val447Met; replaces valine 447 with methionine.
Molecular consequence: missense variant.
Genome position (GRCh38, 1-based): chr11:108,173,645, C>T on the plus strand (G>A on the coding strand, the complement: NPAT is on the minus strand). VCF-style: chr11-108173645-C-T. GRCh37 (hg19) VCF-style: chr11-108044372-C-T.
Other names: c.1339G>A, p.Val447Met (NM_001321307.1); short protein forms V447M.
Identifiers: ClinVar variation 1770307 (VCV001770307.8), dbSNP rs35504388, ClinGen allele CA6264013.

ClinVar aggregate classification (germline): Conflicting classifications of pathogenicity. Review status: criteria provided, conflicting classifications (1 of 4 stars). 3 submissions from 3 submitters: Uncertain significance (1); Benign (1); Likely benign (1). Last evaluated 2026-02-02.

Allele frequency attached by ClinVar (database versions not stated): gnomAD exomes 0.00032; ExAC 0.00090; ESP Exome Variant Server 0.00217; gnomAD 0.00257; 1000 Genomes Project 0.00319; TOPMed 0.00350; 1000 Genomes Project 30x 0.00359.
gnomAD v4.1: 888 of 1,614,146 alleles (0.055%); highest among the groups gnomAD compares: African/African-American, 0.87%; 3 homozygotes.

Submissions (3):

Labcorp Genetics (formerly Invitae), Labcorp
Classification: Benign. Last evaluated: 2026-02-02. Review status: criteria provided, single submitter. Criteria: Invitae Variant Classification Sherloc (09022015). Collection method: clinical testing. Allele origin: germline.

Blueprint Genetics
Classification: Likely benign. Last evaluated: 2024-07-18. Review status: criteria provided, single submitter. Criteria: ACMG Guidelines, 2015. Collection method: clinical testing. Allele origin: germline.

Ambry Genetics
Classification: Uncertain significance. Last evaluated: 2022-09-12. Review status: criteria provided, single submitter. Criteria: Ambry Variant Classification Scheme 2023. Collection method: clinical testing. Allele origin: germline.
Comment: The p.V447M variant (also known as c.1339G>A), located in coding exon 13 of the NPAT gene, results from a G to A substitution at nucleotide position 1339. The valine at codon 447 is replaced by methionine, an amino acid with highly similar properties. This amino acid position is conserved. In addition, this alteration is predicted to be tolerated by in silico analysis. Since supporting evidence is limited at this time, the clinical significance of this alteration remains unclear.